The following is an entry in ClinVar:

NM_001127222.2(CACNA1A):c.6083C>G (p.Pro2028Arg)

Gene: CACNA1A (calcium voltage-gated channel subunit alpha1 A; minus strand). Cytogenetic location: 19p13.13.
Variant type: single nucleotide variant.
Coding change: c.6083C>G on transcript NM_001127222.2 (MANE Select); coding-DNA position 6083, C replaced by G.
Protein change: p.Pro2028Arg; replaces proline 2028 with arginine.
Molecular consequence: missense variant.
Genome position (GRCh38, 1-based): chr19:13,212,490, G>C on the plus strand (C>G on the coding strand, the complement: CACNA1A is on the minus strand). VCF-style: chr19-13212490-G-C. GRCh37 (hg19) VCF-style: chr19-13323304-G-C.
Other names: c.6101C>G, p.Pro2034Arg (NM_000068.4, NM_023035.3); c.6086C>G, p.Pro2029Arg (NM_001127221.2); c.6092C>G, p.Pro2031Arg (NM_001174080.2); short protein forms P2028R, P2029R, P2031R, P2034R.
Identifiers: ClinVar variation 946697 (VCV000946697.12), dbSNP rs370345937, ClinGen allele CA9239476.
Genomic context (GRCh38, chr19:13,212,490, plus strand): 5'-TCCGGACTCCATGTGCCCGTCTTCTGGAACATCTCCTGGGCACGCTGGGTCACCCAGGAC[G>C]GGCTCTCCTTGAGGCCGCTTTCGTGAGCCATCCTGCATGGGGGACAGAGGCCGGGGTAGC-3'
Protein context (NP_001120694.1, residues 2018-2038): MAHESGLKES[Pro2028Arg]SWVTQRAQEM

ClinVar aggregate classification (germline): Uncertain significance. Review status: criteria provided, multiple submitters, no conflicts (2 of 4 stars). 2 submissions from 2 submitters: Uncertain significance (2). Last evaluated 2025-09-04.

Conditions:
Developmental and epileptic encephalopathy, 42 (DEE42A). Also called: DEVELOPMENTAL AND EPILEPTIC ENCEPHALOPATHY 42A; EPILEPTIC ENCEPHALOPATHY, EARLY INFANTILE, 42A; Epileptic encephalopathy, early infantile, 42. Identifiers: MedGen C4310716, MONDO:0014917, OMIM 617106.
Episodic ataxia type 2 (EA2). Also called: ATAXIA, EPISODIC, WITH NYSTAGMUS; ATAXIA, FAMILIAL PAROXYSMAL; CEREBELLAR ATAXIA, PAROXYSMAL, ACETAZOLAMIDE-RESPONSIVE; ACETAZOLAMIDE-RESPONSIVE HEREDITARY PAROXYSMAL CEREBELLAR ATAXIA; CEREBELLOPATHY, HEREDITARY PAROXYSMAL; EPISODIC ATAXIA, NYSTAGMUS-ASSOCIATED. Identifiers: Orphanet 97, MedGen C1720416, MONDO:0007163, OMIM 108500.

Allele frequency attached by ClinVar (database versions not stated): ESP Exome Variant Server 0.00008; gnomAD 0.00003; TOPMed 0.00004.
gnomAD v4.1: 8 of 1,589,356 alleles (0.0005%); highest among the groups gnomAD compares: African/African-American, 0.011%; no homozygotes.

Submissions (2):

GeneDx
Classification: Uncertain significance. Last evaluated: 2025-09-04. Review status: criteria provided, single submitter. Criteria: GeneDx Variant Classification Process June 2021. Collection method: clinical testing. Allele origin: germline. Affected: yes.
Comment: In silico analysis supports that this missense variant has a deleterious effect on protein structure/function; Has not been previously published as pathogenic or benign to our knowledge

Labcorp Genetics (formerly Invitae), Labcorp
Classification: Uncertain significance for Developmental and epileptic encephalopathy, 42; Episodic ataxia type 2. Last evaluated: 2021-11-02. Review status: criteria provided, single submitter. Criteria: Invitae Variant Classification Sherloc (09022015). Collection method: clinical testing. Allele origin: germline.
Comment: Advanced modeling of protein sequence and biophysical properties (such as structural, functional, and spatial information, amino acid conservation, physicochemical variation, residue mobility, and thermodynamic stability) performed at Invitae indicates that this missense variant is not expected to disrupt CACNA1A protein function. In summary, the available evidence is currently insufficient to determine the role of this variant in disease. Therefore, it has been classified as a Variant of Uncertain Significance. ClinVar contains an entry for this variant (Variation ID: 946697). This variant has not been reported in the literature in individuals affected with CACNA1A-related conditions. This variant is present in population databases (rs370345937, gnomAD 0.03%). This sequence change replaces proline, which is neutral and non-polar, with arginine, which is basic and polar, at codon 2029 of the CACNA1A protein (p.Pro2029Arg).